The following is an entry in ClinVar:

NM_005002.5(NDUFA9):c.224G>T (p.Arg75Leu)

Gene: NDUFA9 (NADH:ubiquinone oxidoreductase subunit A9; plus strand). Cytogenetic location: 12p13.32.
Variant type: single nucleotide variant.
Coding change: c.224G>T on transcript NM_005002.5 (MANE Select); coding-DNA position 224, G replaced by T.
Protein change: p.Arg75Leu; replaces arginine 75 with leucine.
Molecular consequence: missense variant.
Genome position (GRCh38, 1-based): chr12:4,654,828, G>T. VCF-style: chr12-4654828-G-T. GRCh37 (hg19) VCF-style: chr12-4763994-G-T.
Other names: short protein forms R75L.
Identifiers: ClinVar variation 214722 (VCV000214722.16), dbSNP rs35263902, ClinGen allele CA249318.
Genomic context (GRCh38, chr12:4,654,828, plus strand): 5'-TATAATATATCCACATTATGTTAATGTTGATCCTTTTTTCAATCCATTCTCTTTTAGGAC[G>T]CATGGGGTCACAGGTAATCATACCCTATCGGTGTGATAAATATGACATCATGCACCTTCG-3'
Protein context (NP_004993.1, residues 65-85): LGRYVVNHLG[Arg75Leu]MGSQVIIPYR

ClinVar aggregate classification (germline): Conflicting classifications of pathogenicity. Review status: criteria provided, conflicting classifications (1 of 4 stars). 7 submissions from 7 submitters: Uncertain significance (5); Benign (2). Last evaluated 2025-08-05.

Conditions:
Mitochondrial complex I deficiency, nuclear type 26. Also called: Mitochondrial complex 1 deficiency, nuclear type 26. Identifiers: MedGen C4748809, MONDO:0032630, OMIM 618247.

Allele frequency attached by ClinVar (database versions not stated): TOPMed 0.00006; 1000 Genomes Project 30x 0.00187; 1000 Genomes Project 0.00240.
gnomAD v4.1: 619 of 1,609,226 alleles (0.038%); highest among the groups gnomAD compares: South Asian, 0.63%; 5 homozygotes.

Submissions (7):

Labcorp Genetics (formerly Invitae), Labcorp
Classification: Benign. Last evaluated: 2025-08-05. Review status: criteria provided, single submitter. Criteria: Invitae Variant Classification Sherloc (09022015). Collection method: clinical testing. Allele origin: germline.

GeneDx
Classification: Benign. Last evaluated: 2024-11-04. Review status: criteria provided, single submitter. Criteria: GeneDx Variant Classification Process June 2021. Collection method: clinical testing. Allele origin: germline. Affected: yes.
Comment: See Variant Classification Assertion Criteria.

Department of Pathology and Laboratory Medicine, Sinai Health System
Classification: Uncertain significance for Mitochondrial complex I deficiency, nuclear type 26. Last evaluated: 2022-06-15. Review status: criteria provided, single submitter. Criteria: ACMG Guidelines, 2015. Collection method: research. Allele origin: germline.

Victorian Clinical Genetics Services, Murdoch Childrens Research Institute
Classification: Uncertain significance for Mitochondrial complex I deficiency, nuclear type 26. Last evaluated: 2020-05-21. Review status: criteria provided, single submitter. Criteria: ACMG Guidelines, 2015. Collection method: clinical testing. Allele origin: germline. Inheritance: Autosomal recessive inheritance. Affected: yes.
Comment: A heterozygous missense variant was identified, NM_005002.4(NDUFA9):c.224G>T in exon 3 of 11 of the NDUFA9 gene. This substitution is predicted to create a major amino acid change from arginine to leucine at position 75 of the protein, NP_004993.1(NDUFA9):p.(Arg75Leu). The arginine at this position has moderate conservation (100 vertebrates, UCSC), and is located within the epimerase functional domain. In silico software predicts this variant to be disease causing (Polyphen, SIFT, CADD, Mutation Taster). The variant is present in the gnomAD population database at a frequency of 0.075% (207 heterozygotes, 2 homozygotes). An alternative residue change at the same location has been reported in the gnomAD database at a frequency of 0.086%. The variant has been previously reported as both a VUS and as likely pathogenic (ClinVar). A different variant in the same codon resulting in a changes to cysteine has been described as a VUS (LOVD). Based on information available at the time of curation, this variant has been classified as a VARIANT of UNCERTAIN SIGNIFICANCE (VUS).

Revvity Omics, Revvity
Classification: Uncertain significance for Mitochondrial complex I deficiency, nuclear type 26. Last evaluated: 2019-07-30. Review status: criteria provided, single submitter. Criteria: ACMG Guidelines, 2015. Collection method: clinical testing. Allele origin: germline.

Mendelics
Classification: Uncertain significance for Mitochondrial complex I deficiency, nuclear type 26. Last evaluated: 2019-05-28. Review status: criteria provided, single submitter. Criteria: Mendelics Assertion Criteria 2017. Collection method: clinical testing. Allele origin: unknown.

Genomic Diagnostic Laboratory, Division of Genomic Diagnostics, Children's Hospital of Philadelphia
Classification: Uncertain significance. Last evaluated: 2015-03-06. Review status: criteria provided, single submitter. Criteria: DGD Variant Analysis Guidelines. Collection method: clinical testing. Allele origin: unknown.